The following is an entry in ClinVar:

NM_000268.4(NF2):c.1516T>A (p.Ser506Thr)

Gene: NF2 (NF2, moesin-ezrin-radixin like (MERLIN) tumor suppressor; plus strand). Cytogenetic location: 22q12.2.
Variant type: single nucleotide variant.
Coding change: c.1516T>A on transcript NM_000268.4 (MANE Select); coding-DNA position 1516, T replaced by A.
Protein change: p.Ser506Thr; replaces serine 506 with threonine.
Molecular consequence: missense variant. On other transcripts: non-coding transcript variant (1), intron variant (1).
Genome position (GRCh38, 1-based): chr22:29,678,265, T>A. VCF-style: chr22-29678265-T-A. GRCh37 (hg19) VCF-style: chr22-30074254-T-A.
Other names: c.1402T>A, p.Ser468Thr (NM_001407053.1, NM_001407056.1); c.1393T>A, p.Ser465Thr (NM_001407054.1, NM_001407058.1, NM_181829.3); c.1390T>A, p.Ser464Thr (NM_001407055.1, NM_181828.3); c.1381T>A, p.Ser461Thr (NM_001407057.1, NM_001407059.1); c.1516T>A, p.Ser506Thr (NM_001407060.1, NM_001407066.1, NM_016418.5 and 2 more transcripts); c.1258T>A, p.Ser420Thr (NM_001407062.1); c.1267T>A, p.Ser423Thr (NM_001407063.1, NM_001407064.1, NM_181830.3 and 1 more transcripts); c.982T>A, p.Ser328Thr (NM_001407065.1); and 2 more; short protein forms S420T, S429T, S461T, S465T, S468T, S506T, S423T, S328T.
Identifiers: ClinVar variation 2587700 (VCV002587700.2), dbSNP rs2518712808, ClinGen allele CA411149682.

ClinVar aggregate classification (germline): Uncertain significance (1 of 4 stars; one submission).

Conditions:
Hereditary cancer-predisposing syndrome. Also called: Tumor predisposition; Hereditary Cancer Syndrome; Hereditary neoplastic syndrome; Neoplastic Syndromes, Hereditary. Identifiers: Orphanet 140162, MedGen C0027672, MeSH D009386, MONDO:0015356.

Submission:

Ambry Genetics
Classification: Uncertain significance for Hereditary cancer-predisposing syndrome. Last evaluated: 2023-06-30. Review status: criteria provided, single submitter. Criteria: Ambry Variant Classification Scheme 2023. Collection method: clinical testing. Allele origin: germline.
Comment: The p.S506T variant (also known as c.1516T>A), located in coding exon 14 of the NF2 gene, results from a T to A substitution at nucleotide position 1516. The serine at codon 506 is replaced by threonine, an amino acid with similar properties. This amino acid position is conserved. In addition, the in silico prediction for this alteration is inconclusive. Since supporting evidence is limited at this time, the clinical significance of this alteration remains unclear.